The following is an entry in ClinVar:

NM_001161352.2(KCNMA1):c.34_48del (p.Ser12_Gly16del)

Gene: KCNMA1 (potassium calcium-activated channel subfamily M alpha 1; minus strand). Cytogenetic location: 10q22.3.
Variant type: Deletion.
Coding change: c.34_48del on transcript NM_001161352.2 (MANE Select); coding-DNA positions 34 to 48, 15 bases deleted (AGCGGCGGCGGCGGC).
Protein change: p.Ser12_Gly16del.
Molecular consequence: inframe deletion.
Genome position (GRCh38, 1-based): chr10:77,637,595-77,637,609, GCCGCCGCCGCCGCT deleted on the plus strand (AGCGGCGGCGGCGGC on the coding strand, the reverse complement: KCNMA1 is on the minus strand); deleting any 15 consecutive bases within chr10:77,637,595-77,637,611 gives the same sequence; the c. name uses the placement nearest the transcript's 3' end. VCF-style (leftmost placement, unchanged base first): chr10-77637594-CGCCGCCGCCGCCGCT-C. GRCh37 (hg19) VCF-style: chr10-79397352-CGCCGCCGCCGCCGCT-C.
Other names: c.34_48del15 (NM_002247.3); c.34_48del, p.Ser12_Gly16del (NM_001014797.3, NM_001161353.2, NM_001271518.2 and 13 more transcripts).
Identifiers: ClinVar variation 2446124 (VCV002446124.5), dbSNP rs2093898757, ClinGen allele CA2497300125.

ClinVar aggregate classification (germline): Conflicting classifications of pathogenicity. Review status: criteria provided, conflicting classifications (1 of 4 stars). 3 submissions from 3 submitters: Uncertain significance (2); Likely benign (1). Last evaluated 2025-04-25.

Conditions:
Inborn genetic diseases. Identifiers: MedGen C0950123, MeSH D030342.
Generalized epilepsy-paroxysmal dyskinesia syndrome (PNKD3). Also called: Paroxysmal nonkinesigenic dyskinesia, 3, with or without generalized epilepsy; Generalized epilepsy and paroxysmal dyskinesia. Identifiers: Orphanet 79137, MedGen C5574945, MONDO:0012276, OMIM 609446.

Submissions (3):

Ambry Genetics
Classification: Likely benign for Inborn genetic diseases. Last evaluated: 2025-04-25. Review status: criteria provided, single submitter. Criteria: Ambry Variant Classification Scheme 2023. Collection method: clinical testing. Allele origin: germline.

Labcorp Genetics (formerly Invitae), Labcorp
Classification: Uncertain significance for Generalized epilepsy-paroxysmal dyskinesia syndrome. Last evaluated: 2024-01-03. Review status: criteria provided, single submitter. Criteria: Invitae Variant Classification Sherloc (09022015). Collection method: clinical testing. Allele origin: germline.
Comment: This variant, c.34_48del, results in the deletion of 5 amino acid(s) of the KCNMA1 protein (p.Ser12_Gly16del), but otherwise preserves the integrity of the reading frame. This variant is not present in population databases (gnomAD no frequency). This variant has not been reported in the literature in individuals affected with KCNMA1-related conditions. ClinVar contains an entry for this variant (Variation ID: 2446124). Experimental studies and prediction algorithms are not available or were not evaluated, and the functional significance of this variant is currently unknown. In summary, the available evidence is currently insufficient to determine the role of this variant in disease. Therefore, it has been classified as a Variant of Uncertain Significance.

GeneDx
Classification: Uncertain significance. Last evaluated: 2022-09-21. Review status: criteria provided, single submitter. Criteria: GeneDx Variant Classification Process June 2021. Collection method: clinical testing. Allele origin: germline. Affected: yes.
Comment: Not observed at significant frequency in large population cohorts (gnomAD); In-frame deletion of 5 amino acids in a non-repeat region; In silico analysis supports that this variant does not alter protein structure/function; Has not been previously published as pathogenic or benign to our knowledge